The following is an entry in ClinVar:

NM_001387283.1(SMARCA4):c.4190T>C (p.Ile1397Thr)

Gene: SMARCA4 (SWI/SNF related BAF chromatin remodeling complex subunit ATPase 4; plus strand). Cytogenetic location: 19p13.2.
Variant type: single nucleotide variant.
Coding change: c.4190T>C on transcript NM_001387283.1 (MANE Plus Clinical); coding-DNA position 4190, T replaced by C.
Protein change: p.Ile1397Thr; replaces isoleucine 1397 with threonine.
Molecular consequence: missense variant. On other transcripts: intron variant (7).
Genome position (GRCh38, 1-based): chr19:11,039,477, T>C. VCF-style: chr19-11039477-T-C. GRCh37 (hg19) VCF-style: chr19-11150153-T-C.
Other names: c.4190T>C, p.Ile1397Thr (NM_001128849.3); c.4171-1830T>C (NM_001128844.3, NM_003072.5); c.4072-1830T>C (NM_001128847.4, NM_001374457.1, NM_001128848.2); c.4072-1821T>C (NM_001128845.2, NM_001128846.2); short protein forms I1397T.
Identifiers: ClinVar variation 484844 (VCV000484844.15), dbSNP rs534766933, ClinGen allele CA9204630.

ClinVar aggregate classification (germline): Conflicting classifications of pathogenicity. Review status: criteria provided, conflicting classifications (1 of 4 stars). 3 submissions from 3 submitters: Uncertain significance (2); Likely benign (1). Last evaluated 2025-11-24.

Conditions:
Rhabdoid tumor predisposition syndrome 2 (RTPS2). Identifiers: Orphanet 231108, Orphanet 69077, MedGen C2750074, MONDO:0013224, OMIM 613325.
Hereditary cancer-predisposing syndrome. Also called: Neoplastic Syndromes, Hereditary; Tumor predisposition; Hereditary Cancer Syndrome; Hereditary neoplastic syndrome. Identifiers: Orphanet 140162, MedGen C0027672, MeSH D009386, MONDO:0015356.

Allele frequency attached by ClinVar (database versions not stated): gnomAD exomes 0.00002; TOPMed 0.00006; 1000 Genomes Project 30x 0.00016; 1000 Genomes Project 0.00020.
gnomAD v4.1: 35 of 1,602,556 alleles (0.0022%); highest among the groups gnomAD compares: African/African-American, 0.0054%; no homozygotes.

Submissions (3):

Labcorp Genetics (formerly Invitae), Labcorp
Classification: Uncertain significance for Rhabdoid tumor predisposition syndrome 2. Last evaluated: 2025-11-24. Review status: criteria provided, single submitter. Criteria: Invitae Variant Classification Sherloc (09022015). Collection method: clinical testing. Allele origin: germline.
Comment: This sequence change replaces isoleucine, which is neutral and non-polar, with threonine, which is neutral and polar, at codon 1397 of the SMARCA4 protein (p.Ile1397Thr). This variant is present in population databases (rs534766933, gnomAD 0.01%). This variant has not been reported in the literature in individuals affected with SMARCA4-related conditions. ClinVar contains an entry for this variant (Variation ID: 484844). An algorithm developed to predict the effect of missense changes on protein structure and function (PolyPhen-2) suggests that this variant is likely to be tolerated. In summary, the available evidence is currently insufficient to determine the role of this variant in disease. Therefore, it has been classified as a Variant of Uncertain Significance.

GeneDx
Classification: Uncertain significance. Last evaluated: 2024-01-13. Review status: criteria provided, single submitter. Criteria: GeneDx Variant Classification Process June 2021. Collection method: clinical testing. Allele origin: germline. Affected: yes.
Comment: Has not been previously published as pathogenic or benign to our knowledge; In silico analysis supports that this missense variant does not alter protein structure/function

Ambry Genetics
Classification: Likely benign for Hereditary cancer-predisposing syndrome. Last evaluated: 2021-06-08. Review status: criteria provided, single submitter. Criteria: Ambry Variant Classification Scheme 2023. Collection method: clinical testing. Allele origin: germline.